The following is an entry in ClinVar:

ClinVar aggregate classification (germline): Uncertain significance (1 of 4 stars; one submission).

Conditions:
ZNF292-related disorder. Also called: ZNF292-related condition.

gnomAD v4.1: 1 of 1,609,080 alleles (0.000062%); highest among the groups gnomAD compares: South Asian, 0.0011%; no homozygotes.

Submission:

PreventionGenetics, part of Exact Sciences
Classification: Uncertain significance for ZNF292-related condition. Last evaluated: 2023-08-14. Review status: criteria provided, single submitter. Criteria: ACMG Guidelines, 2015. Collection method: clinical testing. Allele origin: germline.
Comment: The ZNF292 c.5234A>C variant is predicted to result in the amino acid substitution p.Gln1745Pro. To our knowledge, this variant has not been reported in the literature or in a large population database, indicating this variant is rare. At this time, the clinical significance of this variant is uncertain due to the absence of conclusive functional and genetic evidence.

NM_015021.3(ZNF292):c.5234A>C (p.Gln1745Pro)

Gene: ZNF292 (zinc finger protein 292; plus strand). Cytogenetic location: 6q14.3.
Variant type: single nucleotide variant.
Coding change: c.5234A>C on transcript NM_015021.3 (MANE Select); coding-DNA position 5234, A replaced by C.
Protein change: p.Gln1745Pro; replaces glutamine 1745 with proline.
Molecular consequence: missense variant.
Genome position (GRCh38, 1-based): chr6:87,258,863, A>C. VCF-style: chr6-87258863-A-C. GRCh37 (hg19) VCF-style: chr6-87968581-A-C.
Other names: c.4814A>C, p.Gln1605Pro (NM_001351444.2); short protein forms Q1605P, Q1745P.
Identifiers: ClinVar variation 2631562 (VCV002631562.1), dbSNP rs1201474059, ClinGen allele CA364931731.